The following is an entry in ClinVar:

NM_001042750.2(STAG2):c.2897C>G (p.Thr966Arg)

Gene: STAG2 (STAG2 cohesin complex component; plus strand). Cytogenetic location: Xq25.
Variant type: single nucleotide variant.
Coding change: c.2897C>G on transcript NM_001042750.2 (MANE Select); coding-DNA position 2897, C replaced by G.
Protein change: p.Thr966Arg; replaces threonine 966 with arginine.
Molecular consequence: missense variant.
Genome position (GRCh38, 1-based): chrX:124,081,501, C>G. VCF-style: chrX-124081501-C-G. GRCh37 (hg19) VCF-style: chrX-123215351-C-G.
Other names: c.2897C>G, p.Thr966Arg (NM_001042749.2, NM_001042751.2, NM_001282418.2 and 1 more transcripts); short protein forms T966R.
Identifiers: ClinVar variation 807812 (VCV000807812.44), dbSNP rs1603150691, ClinGen allele CA414280160.

ClinVar aggregate classification (germline): Uncertain significance. Review status: criteria provided, multiple submitters, no conflicts (2 of 4 stars). 2 submissions from 2 submitters: Uncertain significance (2). Last evaluated 2024-05-03.

Submissions (2):

GeneDx
Classification: Uncertain significance. Last evaluated: 2024-05-03. Review status: criteria provided, single submitter. Criteria: GeneDx Variant Classification Process June 2021. Collection method: clinical testing. Allele origin: germline. Affected: yes.
Comment: Not observed in large population cohorts (gnomAD); In silico analysis supports that this missense variant has a deleterious effect on protein structure/function; Has not been previously published as pathogenic or benign to our knowledge

CeGaT Center for Human Genetics Tuebingen
Classification: Uncertain significance. Last evaluated: 2019-01-01. Review status: criteria provided, single submitter. Criteria: CeGaT Center For Human Genetics Tuebingen Variant Classification Criteria Version 2. Collection method: clinical testing. Allele origin: germline. Affected: yes. Observed: 1 variant allele.